The following is an entry in ClinVar:

ClinVar aggregate classification (germline): Likely benign (0 of 4 stars; one submission).

Conditions:
DUSP22-related disorder. Also called: DUSP22-related condition.

Allele frequency attached by ClinVar (database versions not stated): ExAC 0.00002; gnomAD 0.00003; gnomAD exomes 0.00005.
gnomAD v4.1: 81 of 1,611,732 alleles (0.005%); highest among the groups gnomAD compares: Non-Finnish European, 0.0059%; no homozygotes.

Submission:

PreventionGenetics, part of Exact Sciences
Classification: Likely benign for DUSP22-related condition. Last evaluated: 2023-03-06. Review status: no assertion criteria provided. Collection method: clinical testing. Allele origin: germline.
Comment: This variant is classified as likely benign based on ACMG/AMP sequence variant interpretation guidelines (Richards et al. 2015 PMID: 25741868, with internal and published modifications).

NM_001286555.3(DUSP22):c.69G>A (p.Ala23=)

Gene: DUSP22 (dual specificity phosphatase 22; plus strand). Cytogenetic location: 6p25.3.
Variant type: single nucleotide variant.
Coding change: c.69G>A on transcript NM_001286555.3 (MANE Select); coding-DNA position 69, G replaced by A.
Protein change: p.Ala23=; no amino-acid change (alanine 23 retained).
Molecular consequence: synonymous variant. On other transcripts: non-coding transcript variant (1).
Genome position (GRCh38, 1-based): chr6:311,893, G>A. VCF-style: chr6-311893-G-A. GRCh37 (hg19) VCF-style: chr6-311893-G-A.
Other names: c.69G>A, p.Ala23= (NM_020185.6).
Identifiers: ClinVar variation 3032831 (VCV003032831.2), dbSNP rs759794031, ClinGen allele CA3612168.